The following is an entry in ClinVar:

NM_004168.4(SDHA):c.150+1G>C

Gene: SDHA (succinate dehydrogenase complex flavoprotein subunit A; plus strand). Cytogenetic location: 5p15.33.
Variant type: single nucleotide variant.
Coding change: c.150+1G>C on transcript NM_004168.4 (MANE Select); the canonical splice donor site of the intron after coding-DNA position 150, G replaced by C.
Molecular consequence: splice donor variant.
Genome position (GRCh38, 1-based): chr5:223,569, G>C. VCF-style: chr5-223569-G-C. GRCh37 (hg19) VCF-style: chr5-223684-G-C.
Other names: c.150+1G>C (NM_001330758.2, NM_001294332.2).
Identifiers: ClinVar variation 1066987 (VCV001066987.16), dbSNP rs1057523165, ClinGen allele CA359008338.

ClinVar aggregate classification (germline): Conflicting classifications of pathogenicity. Review status: criteria provided, conflicting classifications (1 of 4 stars). 3 submissions from 3 submitters: Likely pathogenic (2); Uncertain significance (1). Last evaluated 2025-04-30.

Conditions:
Pheochromocytoma/paraganglioma syndrome 5. Also called: Paragangliomas 5; SDHA-Related Hereditary Paraganglioma-Pheochromocytoma Syndrome. Identifiers: Orphanet 29072, MedGen C3279992, MONDO:0013602, OMIM 614165.
Hereditary cancer-predisposing syndrome. Also called: Tumor predisposition; Hereditary neoplastic syndrome; Neoplastic Syndromes, Hereditary; Hereditary Cancer Syndrome. Identifiers: Orphanet 140162, MedGen C0027672, MeSH D009386, MONDO:0015356.
Mitochondrial complex II deficiency, nuclear type 1. Also called: SUCCINATE CoQ REDUCTASE DEFICIENCY. Identifiers: Orphanet 3208, MedGen C5700310, MONDO:0100294, OMIM 252011.

Submissions (3):

Myriad Genetics, Inc.
Classification: Likely pathogenic for Pheochromocytoma/paraganglioma syndrome 5. Last evaluated: 2025-04-30. Review status: criteria provided, single submitter. Criteria: Myriad Autosomal Dominant, Autosomal Recessive and X-Linked Classification Criteria (2023). Collection method: clinical testing. Allele origin: unknown.
Comment: This variant is considered likely pathogenic. This variant occurs within a consensus splice junction and is predicted to result in abnormal mRNA splicing of either an out-of-frame exon or an in-frame exon necessary for protein stability and/or normal function.

Labcorp Genetics (formerly Invitae), Labcorp
Classification: Likely pathogenic for Pheochromocytoma/paraganglioma syndrome 5; Mitochondrial complex II deficiency, nuclear type 1. Last evaluated: 2025-03-22. Review status: criteria provided, single submitter. Criteria: Invitae Variant Classification Sherloc (09022015). Collection method: clinical testing. Allele origin: germline.
Comment: This sequence change affects a donor splice site in intron 2 of the SDHA gene. RNA analysis indicates that disruption of this splice site induces altered splicing and likely results in a shortened protein product. This variant is not present in population databases (gnomAD no frequency). This variant has not been reported in the literature in individuals affected with SDHA-related conditions. ClinVar contains an entry for this variant (Variation ID: 1066987). Studies have shown that disruption of this splice site results in skipping of skipping of exon 2, but is expected to preserve the integrity of the reading-frame (internal data). This variant disrupts a region of the SDHA protein in which other variant(s) (p.Arg31Gln) have been observed in individuals with SDHA-related conditions (internal data). This suggests that this is a clinically significant region of the protein, and that variants that disrupt it are likely to be disease-causing. In summary, the currently available evidence indicates that the variant is pathogenic, but additional data are needed to prove that conclusively. Therefore, this variant has been classified as Likely Pathogenic.

Ambry Genetics
Classification: Uncertain significance for Hereditary cancer-predisposing syndrome. Last evaluated: 2024-12-31. Review status: criteria provided, single submitter. Criteria: Ambry Variant Classification Scheme 2023. Collection method: clinical testing. Allele origin: germline.
Comment: The c.150+1G>C intronic variant results from a G to C substitution one nucleotide after coding exon 2 of the SDHA gene. Alterations that disrupt the canonical splice site are expected to cause aberrant splicing, resulting in an abnormal protein or a transcript that is subject to nonsense-mediated mRNA decay. In silico splice site analysis predicts that this alteration will weaken the native splice donor site. The resulting transcript is predicted to be in-frame and is not expected to trigger nonsense-mediated mRNA decay; however, direct evidence is insufficient (Ambry internal data). The exact functional effect of the altered amino acid sequence is unknown. This nucleotide position is highly conserved in available vertebrate species. Based on the available evidence, the clinical significance of this variant remains unclear.